The following is an entry in ClinVar:

ClinVar aggregate classification (germline): Uncertain significance. Review status: criteria provided, multiple submitters, no conflicts (2 of 4 stars). 2 submissions from 2 submitters: Uncertain significance (2). Last evaluated 2024-09-04.

Conditions:
Hereditary cancer-predisposing syndrome. Also called: Hereditary Cancer Syndrome; Hereditary neoplastic syndrome; Neoplastic Syndromes, Hereditary; Tumor predisposition. Identifiers: Orphanet 140162, MedGen C0027672, MeSH D009386, MONDO:0015356.
Hereditary breast ovarian cancer syndrome. Also called: Hereditary breast and ovarian cancer; BRCA1- and BRCA2-Associated Hereditary Breast and Ovarian Cancer; Hereditary breast and ovarian cancer syndrome (HBOC); Hereditary breast and ovarian cancer syndrome; Breast and ovarian cancer; Hereditary breast and/or ovarian cancer syndrome. Identifiers: Orphanet 145, MedGen C0677776, MeSH D061325, MONDO:0003582. Disease mechanism: loss of function.

Allele frequency attached by ClinVar (database versions not stated): gnomAD exomes below 0.00001.
gnomAD v4.1: 1 of 1,608,288 alleles (0.000062%); highest among the groups gnomAD compares: South Asian, 0.0011%; no homozygotes.

Submissions (2):

Labcorp Genetics (formerly Invitae), Labcorp
Classification: Uncertain significance for Hereditary breast ovarian cancer syndrome. Last evaluated: 2024-09-04. Review status: criteria provided, single submitter. Criteria: Invitae Variant Classification Sherloc (09022015). Collection method: clinical testing. Allele origin: germline.
Comment: This sequence change replaces serine, which is neutral and polar, with phenylalanine, which is neutral and non-polar, at codon 3219 of the BRCA2 protein (p.Ser3219Phe). This variant is present in population databases (no rsID available, gnomAD 0.003%). This variant has not been reported in the literature in individuals affected with BRCA2-related conditions. ClinVar contains an entry for this variant (Variation ID: 1767683). Invitae Evidence Modeling of protein sequence and biophysical properties (such as structural, functional, and spatial information, amino acid conservation, physicochemical variation, residue mobility, and thermodynamic stability) indicates that this missense variant is not expected to disrupt BRCA2 protein function with a negative predictive value of 95%. Algorithms developed to predict the effect of sequence changes on RNA splicing suggest that this variant may disrupt the consensus splice site. In summary, the available evidence is currently insufficient to determine the role of this variant in disease. Therefore, it has been classified as a Variant of Uncertain Significance.

Ambry Genetics
Classification: Uncertain significance for Hereditary cancer-predisposing syndrome. Last evaluated: 2020-10-07. Review status: criteria provided, single submitter. Criteria: Ambry Variant Classification Scheme 2023. Collection method: clinical testing. Allele origin: germline.
Comment: The p.S3219F variant (also known as c.9656C>T), located in coding exon 26 of the BRCA2 gene, results from a C to T substitution at nucleotide position 9656. The serine at codon 3219 is replaced by phenylalanine, an amino acid with highly dissimilar properties. This amino acid position is not well conserved in available vertebrate species. In addition, this alteration is predicted to be tolerated by in silico analysis. Since supporting evidence is limited at this time, the clinical significance of this alteration remains unclear.

NM_000059.4(BRCA2):c.9656C>T (p.Ser3219Phe)

Gene: BRCA2 (BRCA2 DNA repair associated; plus strand). Cytogenetic location: 13q13.1.
Variant type: single nucleotide variant.
Coding change: c.9656C>T on transcript NM_000059.4 (MANE Select); coding-DNA position 9656, C replaced by T.
Protein change: p.Ser3219Phe; replaces serine 3219 with phenylalanine.
Molecular consequence: missense variant.
Genome position (GRCh38, 1-based): chr13:32,398,169, C>T. VCF-style: chr13-32398169-C-T. GRCh37 (hg19) VCF-style: chr13-32972306-C-T.
Other names: c.9560C>T, p.Ser3187Phe (NM_001406719.1); c.9605C>T, p.Ser3202Phe (NM_001406720.1); c.4724C>T, p.Ser1575Phe (NM_001406721.1); c.3239C>T, p.Ser1080Phe (NM_001406722.1); short protein forms S3219F, S1575F, S3202F, S1080F, S3187F.
Identifiers: ClinVar variation 1767683 (VCV001767683.4), dbSNP rs1419761928, ClinGen allele CA387765096.